The following is an entry in ClinVar:

ClinVar aggregate classification (germline): Uncertain significance. Review status: criteria provided, multiple submitters, no conflicts (2 of 4 stars). 2 submissions from 2 submitters: Uncertain significance (2). Last evaluated 2025-01-14.

Conditions:
Hereditary cancer-predisposing syndrome. Also called: Neoplastic Syndromes, Hereditary; Tumor predisposition; Hereditary Cancer Syndrome; Hereditary neoplastic syndrome. Identifiers: Orphanet 140162, MedGen C0027672, MeSH D009386, MONDO:0015356.

Submissions (2):

Ambry Genetics
Classification: Uncertain significance for Hereditary cancer-predisposing syndrome. Last evaluated: 2025-01-14. Review status: criteria provided, single submitter. Criteria: Ambry Variant Classification Scheme 2023. Collection method: clinical testing. Allele origin: germline.
Comment: The p.L636P variant (also known as c.1907T>C), located in coding exon 17 of the POLE gene, results from a T to C substitution at nucleotide position 1907. The leucine at codon 636 is replaced by proline, an amino acid with similar properties. This amino acid position is conserved. In addition, this alteration is predicted to be deleterious by in silico analysis. Based on the available evidence, the clinical significance of this variant remains unclear.

Labcorp Genetics (formerly Invitae), Labcorp
Classification: Uncertain significance. Last evaluated: 2024-07-04. Review status: criteria provided, single submitter. Criteria: Invitae Variant Classification Sherloc (09022015). Collection method: clinical testing. Allele origin: germline.
Comment: This sequence change replaces leucine, which is neutral and non-polar, with proline, which is neutral and non-polar, at codon 636 of the POLE protein (p.Leu636Pro). This variant is not present in population databases (gnomAD no frequency). This variant has not been reported in the literature in individuals affected with POLE-related conditions. ClinVar contains an entry for this variant (Variation ID: 1782418). Advanced modeling of protein sequence and biophysical properties (such as structural, functional, and spatial information, amino acid conservation, physicochemical variation, residue mobility, and thermodynamic stability) performed at Invitae indicates that this missense variant is expected to disrupt POLE protein function with a positive predictive value of 80%. In summary, the available evidence is currently insufficient to determine the role of this variant in disease. Therefore, it has been classified as a Variant of Uncertain Significance.

NM_006231.4(POLE):c.1907T>C (p.Leu636Pro)

Gene: POLE (DNA polymerase epsilon, catalytic subunit; minus strand). Cytogenetic location: 12q24.33.
Variant type: single nucleotide variant.
Coding change: c.1907T>C on transcript NM_006231.4 (MANE Select); coding-DNA position 1907, T replaced by C.
Protein change: p.Leu636Pro; replaces leucine 636 with proline.
Molecular consequence: missense variant.
Genome position (GRCh38, 1-based): chr12:132,668,827, A>G on the plus strand (T>C on the coding strand, the complement: POLE is on the minus strand). VCF-style: chr12-132668827-A-G. GRCh37 (hg19) VCF-style: chr12-133245413-A-G.
Other names: short protein forms L636P.
Identifiers: ClinVar variation 1782418 (VCV001782418.6), dbSNP rs2542103870, ClinGen allele CA387355296.